The following is an entry in ClinVar:

NM_002878.4(RAD51D):c.664del (p.Glu222fs)

Genes: RAD51D (RAD51 paralog D; minus strand), RAD51L3-RFFL (RAD51L3-RFFL readthrough; minus strand). Cytogenetic location: 17q12.
Variant type: Deletion.
Coding change: c.664del on transcript NM_002878.4 (MANE Select); coding-DNA position 664, one base deleted (G; older notation c.664delG).
Protein change: p.Glu222fs; shifts the reading frame from glutamic acid 222.
Molecular consequence: frameshift variant. On other transcripts: non-coding transcript variant (3).
Genome position (GRCh38, 1-based): chr17:35,103,457, C deleted on the plus strand (G on the coding strand, the reverse complement: RAD51D is on the minus strand); the first of 3 consecutive C bases (chr17:35,103,457-35,103,459); deleting any one gives the same sequence. VCF-style (leftmost placement, unchanged base first): chr17-35103456-TC-T. GRCh37 (hg19) VCF-style: chr17-33430475-TC-T.
Other names: c.664delG (NM_002878.3); c.724del, p.Glu242fs (NM_001142571.2); c.328del, p.Glu110fs (NM_133629.3); short protein forms E110fs, E222fs, E242fs.
Identifiers: ClinVar variation 492435 (VCV000492435.3), dbSNP rs1555567586, ClinGen allele CA658684029.
Genomic context (GRCh38, chr17:35,103,456, plus strand): 5'-CCAGAGCTGGGAGGCGAGGTCACATTCCACTGGCCCCAGGCTCTGCCACATCACTCACCT[TC>T]CCTCTGCTGACCTCCCAGAAGTGGGGAAACCACCGCAGTGACCGAGTCCACAACCACCAC-3'

ClinVar aggregate classification (germline): Pathogenic (1 of 4 stars; one submission).

Conditions:
Hereditary cancer-predisposing syndrome. Also called: Hereditary neoplastic syndrome; Tumor predisposition; Hereditary Cancer Syndrome; Neoplastic Syndromes, Hereditary. Identifiers: Orphanet 140162, MedGen C0027672, MeSH D009386, MONDO:0015356.

Submission:

Color Diagnostics, LLC DBA Color Health
Classification: Pathogenic for Hereditary cancer-predisposing syndrome. Last evaluated: 2021-04-08. Review status: criteria provided, single submitter. Criteria: ACMG Guidelines, 2015. Collection method: clinical testing. Allele origin: germline.
Comment: This variant deletes 1 nucleotide in exon 7 of the RAD51D gene, creating a frameshift and premature translation stop signal. This variant is expected to result in an absent or non-functional protein product. To our knowledge, this variant has not been reported in individuals affected with hereditary cancer in the literature. This variant has not been identified in the general population by the Genome Aggregation Database (gnomAD). Loss of RAD51D function is a known mechanism of disease. Based on the available evidence, this variant is classified as Pathogenic.